The following is an entry in ClinVar:

ClinVar aggregate classification (germline): Uncertain significance. Review status: criteria provided, multiple submitters, no conflicts (2 of 4 stars). 3 submissions from 3 submitters: Uncertain significance (3). Last evaluated 2024-10-21.

Conditions:
Cardiovascular phenotype. Identifiers: MedGen CN230736.
Primary familial hypertrophic cardiomyopathy (HCM). Identifiers: Orphanet 99739, MedGen C0949658, MeSH D024741, MONDO:0024573. Inheritance: Various modes of inheritance.
Dilated cardiomyopathy 1AA (CMD1AA). Also called: Cardiomyopathy, dilated, 1AA, with or without LVNC; CARDIOMYOPATHY, DILATED, 1AA, WITH OR WITHOUT LEFT VENTRICULAR NONCOMPACTION; CARDIOMYOPATHY, FAMILIAL HYPERTROPHIC, 23, WITH OR WITHOUT LEFT VENTRICULAR NONCOMPACTION. Identifiers: Orphanet 154, MedGen C2677338, MONDO:0012808, OMIM 612158.

Allele frequency attached by ClinVar (database versions not stated): ExAC 0.00002; gnomAD 0.00002; gnomAD exomes 0.00002 and 0.00001; TOPMed 0.00002.
gnomAD v4.1: 14 of 1,614,028 alleles (0.00087%); no homozygotes.

Submissions (3):

Labcorp Genetics (formerly Invitae), Labcorp
Classification: Uncertain significance for Primary familial hypertrophic cardiomyopathy; Dilated cardiomyopathy 1AA. Last evaluated: 2024-10-21. Review status: criteria provided, single submitter. Criteria: Invitae Variant Classification Sherloc (09022015). Collection method: clinical testing. Allele origin: germline.
Comment: This sequence change replaces methionine, which is neutral and non-polar, with leucine, which is neutral and non-polar, at codon 532 of the ACTN2 protein (p.Met532Leu). This variant is present in population databases (rs200969588, gnomAD 0.03%). This variant has not been reported in the literature in individuals affected with ACTN2-related conditions. ClinVar contains an entry for this variant (Variation ID: 191598). Invitae Evidence Modeling of protein sequence and biophysical properties (such as structural, functional, and spatial information, amino acid conservation, physicochemical variation, residue mobility, and thermodynamic stability) indicates that this missense variant is not expected to disrupt ACTN2 protein function with a negative predictive value of 80%. In summary, the available evidence is currently insufficient to determine the role of this variant in disease. Therefore, it has been classified as a Variant of Uncertain Significance.

Ambry Genetics
Classification: Uncertain significance for Cardiovascular phenotype. Last evaluated: 2020-03-11. Review status: criteria provided, single submitter. Criteria: Ambry Variant Classification Scheme 2023. Collection method: clinical testing. Allele origin: germline.
Comment: The p.M532L variant (also known as c.1594A>T), located in coding exon 14 of the ACTN2 gene, results from an A to T substitution at nucleotide position 1594. The methionine at codon 532 is replaced by leucine, an amino acid with highly similar properties. This amino acid position is highly conserved in available vertebrate species. In addition, the in silico prediction for this alteration is inconclusive. Since supporting evidence is limited at this time, the clinical significance of this alteration remains unclear.

Biesecker Lab/Clinical Genomics Section, National Institutes of Health
Classification: Uncertain significance. Last evaluated: 2013-06-24. Review status: criteria provided, single submitter. Criteria: Ng et al. (Circ Cardiovasc Genet. 2013). Collection method: research. Allele origin: unknown. Observed: 1 variant allele. Study: ClinSeq.
Comment: The study set was not selected for affection status in relation to any cancer. Pathogenicity categories were based on literature curation. See Pubmed ID:23861362 for details.

Medical sequencing

NM_001103.4(ACTN2):c.1594A>T (p.Met532Leu)

Gene: ACTN2 (actinin alpha 2; plus strand). Cytogenetic location: 1q43.
Variant type: single nucleotide variant.
Coding change: c.1594A>T on transcript NM_001103.4 (MANE Select); coding-DNA position 1594, A replaced by T.
Protein change: p.Met532Leu; replaces methionine 532 with leucine.
Molecular consequence: missense variant.
Genome position (GRCh38, 1-based): chr1:236,749,202, A>T. VCF-style: chr1-236749202-A-T. GRCh37 (hg19) VCF-style: chr1-236912502-A-T.
Other names: c.1594A>T, p.Met532Leu (NM_001278343.2); c.970A>T, p.Met324Leu (NM_001278344.2); short protein forms M532L, M324L.
Identifiers: ClinVar variation 191598 (VCV000191598.11), dbSNP rs200969588, ClinGen allele CA237021.